The following is an entry in ClinVar:

NM_004082.5(DCTN1):c.394-12C>G

Gene: DCTN1 (dynactin subunit 1; minus strand). Cytogenetic location: 2p13.1.
Variant type: single nucleotide variant.
Coding change: c.394-12C>G on transcript NM_004082.5 (MANE Select); 12 bases into the intron before coding-DNA position 394, C replaced by G.
Molecular consequence: intron variant.
Genome position (GRCh38, 1-based): chr2:74,376,774, G>C on the plus strand (C>G on the coding strand, the complement: DCTN1 is on the minus strand). VCF-style: chr2-74376774-G-C. GRCh37 (hg19) VCF-style: chr2-74603901-G-C.
Other names: c.342+658C>G (NM_001190836.2); c.343-12C>G (NM_001378992.1, NM_001378991.1); c.393+658C>G (NM_001135040.3, NM_001190837.2).
Identifiers: ClinVar variation 2571780 (VCV002571780.1), dbSNP rs2529207557, ClinGen allele CA2580612954.

ClinVar aggregate classification (germline): Uncertain significance (1 of 4 stars; one submission).

Submission:

GeneDx
Classification: Uncertain significance. Last evaluated: 2023-01-10. Review status: criteria provided, single submitter. Criteria: GeneDx Variant Classification Process June 2021. Collection method: clinical testing. Allele origin: germline. Affected: yes.
Comment: Not observed at significant frequency in large population cohorts (gnomAD); In silico analysis supports that this variant does not alter splicing; Has not been previously published as pathogenic or benign to our knowledge